The following is an entry in ClinVar:

ClinVar aggregate classification (germline): Likely pathogenic (1 of 4 stars; one submission).

Conditions:
Myopathy caused by variation in FKTN. Identifiers: MedGen CN305638, MONDO:0700067.

Submission:

Myriad Genetics, Inc.
Classification: Likely pathogenic for Myopathy caused by variation in FKTN. Last evaluated: 2022-02-09. Review status: criteria provided, single submitter. Criteria: Myriad Autosomal Dominant, Autosomal Recessive and X-Linked Classification Criteria (2023). Collection method: clinical testing. Allele origin: unknown.
Comment: NM_001079802.1(FKTN):c.69dupT(Q24Sfs*28) is expected to be pathogenic in the context of FKTN-related disorders. This variant is predicted to lead to an abnormal or absent protein product due to the creation of a premature termination codon in FKTN, a gene where loss-of-function variants are known to be pathogenic. Please note: this variant was assessed in the context of healthy population screening.

NM_001079802.2(FKTN):c.69dup (p.Gln24fs)

Gene: FKTN (fukutin; plus strand). Cytogenetic location: 9q31.2.
Variant type: Duplication.
Coding change: c.69dup on transcript NM_001079802.2 (MANE Select); coding-DNA position 69, one base duplicated (T; older notation c.69dupT).
Protein change: p.Gln24fs; shifts the reading frame from glutamine 24.
Molecular consequence: frameshift variant. On other transcripts: 5 prime UTR variant (5), non-coding transcript variant (2).
Genome position (GRCh38, 1-based): chr9:105,575,101, T duplicated; the last of 3 consecutive T bases (chr9:105,575,099-105,575,101); duplicating any one gives the same sequence. VCF-style (leftmost placement, unchanged base first): chr9-105575098-G-GT. GRCh37 (hg19) VCF-style: chr9-108337379-G-GT.
Other names: c.69dup, p.Gln24fs (NM_001198963.2, NM_001351496.2, NM_001351498.2 and 1 more transcripts); c.-99dup (NM_001351497.2); c.-446dup (NM_001351499.2, NM_001351500.2, NM_001351501.2 and 1 more transcripts); short protein forms Q24fs.
Identifiers: ClinVar variation 1726869 (VCV001726869.3), dbSNP rs2538817842, ClinGen allele CA2580079301.